The following is an entry in ClinVar:

NM_000194.3(HPRT1):c.22G>A (p.Val8Ile)

Genes: HPRT1 (hypoxanthine phosphoribosyltransferase 1; plus strand), LOC107032760 (origin of replication in promoter/intron 1 of HPRT1; plus strand), LOC129929047 (ATAC-STARR-seq lymphoblastoid silent region 21009; plus strand). Cytogenetic location: Xq26.2.
Variant type: single nucleotide variant.
Coding change: c.22G>A on transcript NM_000194.3 (MANE Select); coding-DNA position 22, G replaced by A.
Protein change: p.Val8Ile; replaces valine 8 with isoleucine.
Molecular consequence: missense variant.
Genome position (GRCh38, 1-based): chrX:134,460,333, G>A. VCF-style: chrX-134460333-G-A. GRCh37 (hg19) VCF-style: chrX-133594363-G-A.
Other names: short protein forms V8I.
Identifiers: ClinVar variation 2936286 (VCV002936286.5), dbSNP rs2520745843, ClinGen allele CA414711200.

ClinVar aggregate classification (germline): Uncertain significance. Review status: criteria provided, multiple submitters, no conflicts (2 of 4 stars). 2 submissions from 2 submitters: Uncertain significance (2). Last evaluated 2026-05-01.

Conditions:
Partial hypoxanthine-guanine phosphoribosyltransferase deficiency. Also called: Kelley-Seegmiller Syndrome; HPRT DEFICIENCY, PARTIAL; HYPOXANTHINE GUANINE PHOSPHORIBOSYLTRANSFERASE 1 DEFICIENCY, PARTIAL; GOUT, HPRT-RELATED; HPRT1 DEFICIENCY, PARTIAL. Identifiers: Orphanet 79233, MedGen C0268117, MONDO:0010299, OMIM 300323.
Lesch-Nyhan syndrome (LNS). Also called: HPRT DEFICIENCY, COMPLETE; Lesch-Nyhan Disease (LND). Identifiers: Orphanet 510, MedGen C0023374, MONDO:0010298, OMIM 300322.

Submissions (2):

CeGaT Center for Human Genetics Tuebingen
Classification: Uncertain significance. Last evaluated: 2026-05-01. Review status: criteria provided, single submitter. Criteria: CeGaT Center For Human Genetics Tuebingen Variant Classification Criteria Version 2. Collection method: clinical testing. Allele origin: germline. Affected: yes. Observed: 1 variant allele.
Comment: HPRT1: PM2, PM5:Supporting, PP3

Labcorp Genetics (formerly Invitae), Labcorp
Classification: Uncertain significance for Lesch-Nyhan syndrome; Partial hypoxanthine-guanine phosphoribosyltransferase deficiency. Last evaluated: 2023-08-30. Review status: criteria provided, single submitter. Criteria: Invitae Variant Classification Sherloc (09022015). Collection method: clinical testing. Allele origin: germline.
Comment: This variant is not present in population databases (gnomAD no frequency). This variant has not been reported in the literature in individuals affected with HPRT1-related conditions. Algorithms developed to predict the effect of missense changes on protein structure and function output the following: SIFT: "Not Available"; PolyPhen-2: "Benign"; Align-GVGD: "Not Available". The isoleucine amino acid residue is found in multiple mammalian species, which suggests that this missense change does not adversely affect protein function. In summary, the available evidence is currently insufficient to determine the role of this variant in disease. Therefore, it has been classified as a Variant of Uncertain Significance. This sequence change replaces valine, which is neutral and non-polar, with isoleucine, which is neutral and non-polar, at codon 8 of the HPRT1 protein (p.Val8Ile).